The following is an entry in ClinVar:

NM_001365951.3(KIF1B):c.1051G>T (p.Ala351Ser)

Gene: KIF1B (kinesin family member 1B; plus strand). Cytogenetic location: 1p36.22.
Variant type: single nucleotide variant.
Coding change: c.1051G>T on transcript NM_001365951.3 (MANE Select); coding-DNA position 1051, G replaced by T.
Protein change: p.Ala351Ser; replaces alanine 351 with serine.
Molecular consequence: missense variant.
Genome position (GRCh38, 1-based): chr1:10,277,999, G>T. VCF-style: chr1-10277999-G-T. GRCh37 (hg19) VCF-style: chr1-10338057-G-T.
Other names: c.1051G>T, p.Ala351Ser (NM_001365952.1); c.1033G>T, p.Ala345Ser (NM_001365953.1, NM_015074.3, NM_183416.4); short protein forms A345S, A351S.
Identifiers: ClinVar variation 1720509 (VCV001720509.5), dbSNP rs2521196260, ClinGen allele CA338333922.

ClinVar aggregate classification (germline): Uncertain significance (1 of 4 stars; one submission).

Conditions:
Charcot-Marie-Tooth disease type 2. Also called: Charcot-Marie-Tooth type 2. Identifiers: Orphanet 64746, MedGen C0270914, MONDO:0018993.

Submission:

Labcorp Genetics (formerly Invitae), Labcorp
Classification: Uncertain significance for Charcot-Marie-Tooth disease type 2. Last evaluated: 2022-09-27. Review status: criteria provided, single submitter. Criteria: Invitae Variant Classification Sherloc (09022015). Collection method: clinical testing. Allele origin: germline.
Comment: In summary, the available evidence is currently insufficient to determine the role of this variant in disease. Therefore, it has been classified as a Variant of Uncertain Significance. Advanced modeling of protein sequence and biophysical properties (such as structural, functional, and spatial information, amino acid conservation, physicochemical variation, residue mobility, and thermodynamic stability) performed at Invitae indicates that this missense variant is expected to disrupt KIF1B protein function. This variant has not been reported in the literature in individuals affected with KIF1B-related conditions. This variant is not present in population databases (gnomAD no frequency). This sequence change replaces alanine, which is neutral and non-polar, with serine, which is neutral and polar, at codon 345 of the KIF1B protein (p.Ala345Ser).